The following is an entry in ClinVar:

ClinVar aggregate classification (germline): Uncertain significance (1 of 4 stars; one submission).

Conditions:
Long QT syndrome (LQTS). Identifiers: MedGen C0023976, MeSH D008133, MONDO:0002442. Disease mechanism: loss of function. Inheritance: Various modes of inheritance.

Submission:

Labcorp Genetics (formerly Invitae), Labcorp
Classification: Uncertain significance for Long QT syndrome. Last evaluated: 2025-02-07. Review status: criteria provided, single submitter. Criteria: Invitae Variant Classification Sherloc (09022015). Collection method: clinical testing. Allele origin: germline.
Comment: This sequence change replaces proline, which is neutral and non-polar, with serine, which is neutral and polar, at codon 157 of the KCNH2 protein (p.Pro157Ser). This variant is not present in population databases (gnomAD no frequency). This variant has not been reported in the literature in individuals affected with KCNH2-related conditions. An algorithm developed to predict the effect of missense changes on protein structure and function outputs the following: PolyPhen-2: "Benign". The serine amino acid residue is found in multiple mammalian species, which suggests that this missense change does not adversely affect protein function. In summary, the available evidence is currently insufficient to determine the role of this variant in disease. Therefore, it has been classified as a Variant of Uncertain Significance.

NM_000238.4(KCNH2):c.469C>T (p.Pro157Ser)

Gene: KCNH2 (potassium voltage-gated channel subfamily H member 2; minus strand). Cytogenetic location: 7q36.1.
Variant type: single nucleotide variant.
Coding change: c.469C>T on transcript NM_000238.4 (MANE Select); coding-DNA position 469, C replaced by T.
Protein change: p.Pro157Ser; replaces proline 157 with serine.
Molecular consequence: missense variant. On other transcripts: non-coding transcript variant (1).
Genome position (GRCh38, 1-based): chr7:150,959,575, G>A on the plus strand (C>T on the coding strand, the complement: KCNH2 is on the minus strand). VCF-style: chr7-150959575-G-A. GRCh37 (hg19) VCF-style: chr7-150656663-G-A.
Other names: c.181C>T, p.Pro61Ser (NM_001406753.1, NM_001406756.1); c.292C>T, p.Pro98Ser (NM_001406755.1); c.169C>T, p.Pro57Ser (NM_001406757.1); c.469C>T, p.Pro157Ser (NM_172056.3); short protein forms P98S, P57S, P61S, P157S.
Identifiers: ClinVar variation 4712539 (VCV004712539.1).